The following is an entry in ClinVar:

NM_015557.3(CHD5):c.3925A>G (p.Ile1309Val)

Gene: CHD5 (chromodomain helicase DNA binding protein 5; minus strand). Cytogenetic location: 1p36.31.
Variant type: single nucleotide variant.
Coding change: c.3925A>G on transcript NM_015557.3 (MANE Select); coding-DNA position 3925, A replaced by G.
Protein change: p.Ile1309Val; replaces isoleucine 1309 with valine.
Molecular consequence: missense variant.
Genome position (GRCh38, 1-based): chr1:6,126,725, T>C on the plus strand (A>G on the coding strand, the complement: CHD5 is on the minus strand). VCF-style: chr1-6126725-T-C. GRCh37 (hg19) VCF-style: chr1-6186785-T-C.
Other names: short protein forms I1309V.
Identifiers: ClinVar variation 3765952 (VCV003765952.1).

ClinVar aggregate classification (germline): Uncertain significance (1 of 4 stars; one submission).

Submission:

GeneDx
Classification: Uncertain significance. Last evaluated: 2024-08-28. Review status: criteria provided, single submitter. Criteria: GeneDx Variant Classification Process June 2021. Collection method: clinical testing. Allele origin: germline. Affected: yes.
Comment: Not observed at significant frequency in large population cohorts (gnomAD); In silico analysis indicates that this missense variant does not alter protein structure/function; Has not been previously published as pathogenic or benign to our knowledge